The following is an entry in ClinVar:

ClinVar aggregate classification (germline): Uncertain significance (1 of 4 stars; one submission).

Submission:

Labcorp Genetics (formerly Invitae), Labcorp
Classification: Uncertain significance. Last evaluated: 2021-03-08. Review status: criteria provided, single submitter. Criteria: Invitae Variant Classification Sherloc (09022015). Collection method: clinical testing. Allele origin: germline.
Comment: Algorithms developed to predict the effect of missense changes on protein structure and function output the following: SIFT: "Tolerated"; PolyPhen-2: "Benign"; Align-GVGD: "Class C0". The threonine amino acid residue is found in multiple mammalian species, suggesting that this missense change does not adversely affect protein function. These predictions have not been confirmed by published functional studies and their clinical significance is uncertain. In summary, the available evidence is currently insufficient to determine the role of this variant in disease. Therefore, it has been classified as a Variant of Uncertain Significance. This sequence change replaces serine with threonine at codon 376 of the EYS protein (p.Ser376Thr). The serine residue is moderately conserved and there is a small physicochemical difference between serine and threonine. This variant is not present in population databases (ExAC no frequency). This variant has not been reported in the literature in individuals with EYS-related conditions.

NM_001142800.2(EYS):c.1126T>A (p.Ser376Thr)

Gene: EYS (EGF-like photoreceptor maintenance factor; minus strand). Cytogenetic location: 6q12.
Variant type: single nucleotide variant.
Coding change: c.1126T>A on transcript NM_001142800.2 (MANE Select); coding-DNA position 1126, T replaced by A.
Protein change: p.Ser376Thr; replaces serine 376 with threonine.
Molecular consequence: missense variant.
Genome position (GRCh38, 1-based): chr6:65,402,536, A>T on the plus strand (T>A on the coding strand, the complement: EYS is on the minus strand). VCF-style: chr6-65402536-A-T. GRCh37 (hg19) VCF-style: chr6-66112429-A-T.
Other names: c.1126T>A, p.Ser376Thr (NM_001142801.2, NM_001292009.2, NM_198283.2); short protein forms S376T.
Identifiers: ClinVar variation 1515012 (VCV001515012.8), dbSNP rs2150363809, ClinGen allele CA364662379.